The following is an entry in ClinVar:

NM_001040142.2(SCN2A):c.2912A>G (p.Asn971Ser)

Gene: SCN2A (sodium voltage-gated channel alpha subunit 2; plus strand). Cytogenetic location: 2q24.3.
Variant type: single nucleotide variant.
Coding change: c.2912A>G on transcript NM_001040142.2 (MANE Select); coding-DNA position 2912, A replaced by G.
Protein change: p.Asn971Ser; replaces asparagine 971 with serine.
Molecular consequence: missense variant.
Genome position (GRCh38, 1-based): chr2:165,344,904, A>G. VCF-style: chr2-165344904-A-G. GRCh37 (hg19) VCF-style: chr2-166201414-A-G.
Other names: c.2912A>G, p.Asn971Ser (NM_001040143.2, NM_001371246.1, NM_001371247.1 and 1 more transcripts); short protein forms N971S.
Identifiers: ClinVar variation 1720942 (VCV001720942.6), dbSNP rs2468008627, ClinGen allele CA349016634.
Genomic context (GRCh38, chr2:165,344,904, plus strand): 5'-TGGAGGTCGCTGGCCAAACCATGTGCCTTACTGTCTTCATGATGGTCATGGTGATTGGAA[A>G]TCTAGTGGTATGTAGCAAAAACATTTTCCTCATTTTCATTAAAAGATAATGTAATCATTA-3'
Protein context (NP_001035232.1, residues 961-981): TVFMMVMVIG[Asn971Ser]LVVLNLFLAL

ClinVar aggregate classification (germline): Uncertain significance (1 of 4 stars; one submission).

Conditions:
Seizures, benign familial infantile, 3 (BFIS3). Also called: CONVULSIONS, BENIGN FAMILIAL INFANTILE, 3; Familial neonatal seizures. Identifiers: Orphanet 140927, Orphanet 306, MedGen C1843140, MONDO:0011904, OMIM 607745.
Developmental and epileptic encephalopathy, 11 (DEE11). Also called: Early infantile epileptic encephalopathy 11. Identifiers: Orphanet 1934, MedGen C3150987, MONDO:0013388, OMIM 613721.

Submission:

Labcorp Genetics (formerly Invitae), Labcorp
Classification: Uncertain significance for Seizures, benign familial infantile, 3; Developmental and epileptic encephalopathy, 11. Last evaluated: 2022-10-16. Review status: criteria provided, single submitter. Criteria: Invitae Variant Classification Sherloc (09022015). Collection method: clinical testing. Allele origin: germline.
Comment: This sequence change replaces asparagine, which is neutral and polar, with serine, which is neutral and polar, at codon 971 of the SCN2A protein (p.Asn971Ser). This variant is not present in population databases (gnomAD no frequency). This variant has not been reported in the literature in individuals affected with SCN2A-related conditions. In summary, the available evidence is currently insufficient to determine the role of this variant in disease. Therefore, it has been classified as a Variant of Uncertain Significance. Advanced modeling of protein sequence and biophysical properties (such as structural, functional, and spatial information, amino acid conservation, physicochemical variation, residue mobility, and thermodynamic stability) performed at Invitae indicates that this missense variant is expected to disrupt SCN2A protein function.